The following is an entry in ClinVar:

NM_000844.4(GRM7):c.1854G>A (p.Thr618=)

Gene: GRM7 (glutamate metabotropic receptor 7; plus strand). Cytogenetic location: 3p26.1.
Variant type: single nucleotide variant.
Coding change: c.1854G>A on transcript NM_000844.4 (MANE Select); coding-DNA position 1854, G replaced by A.
Protein change: p.Thr618=; no amino-acid change (threonine 618 retained).
Molecular consequence: synonymous variant.
Genome position (GRCh38, 1-based): chr3:7,578,760, G>A. VCF-style: chr3-7578760-G-A. GRCh37 (hg19) VCF-style: chr3-7620447-G-A.
Other names: c.1854G>A, p.Thr618= (NM_181874.3).
Identifiers: ClinVar variation 1335497 (VCV001335497.41), dbSNP rs146236743, ClinGen allele CA2234994.

ClinVar aggregate classification (germline): Benign/Likely benign. Review status: criteria provided, multiple submitters, no conflicts (2 of 4 stars). 3 submissions from 3 submitters: Benign (1); Likely benign (2). Last evaluated 2025-06-13.

Allele frequency attached by ClinVar (database versions not stated): ExAC 0.00034; gnomAD 0.00077 and 0.00078; ESP Exome Variant Server 0.00085; 1000 Genomes Project 0.00280; 1000 Genomes Project 30x 0.00312.
gnomAD v4.1: 277 of 1,613,464 alleles (0.017%); highest among the groups gnomAD compares: African/African-American, 0.23%; no homozygotes.

Submissions (3):

Labcorp Genetics (formerly Invitae), Labcorp
Classification: Benign. Last evaluated: 2025-06-13. Review status: criteria provided, single submitter. Criteria: Invitae Variant Classification Sherloc (09022015). Collection method: clinical testing. Allele origin: germline.

Blueprint Genetics
Classification: Likely benign. Last evaluated: 2024-11-25. Review status: criteria provided, single submitter. Criteria: ACMG Guidelines, 2015. Collection method: clinical testing. Allele origin: germline.

CeGaT Center for Human Genetics Tuebingen
Classification: Likely benign. Last evaluated: 2023-02-01. Review status: criteria provided, single submitter. Criteria: CeGaT Center For Human Genetics Tuebingen Variant Classification Criteria Version 2. Collection method: clinical testing. Allele origin: germline. Affected: yes. Observed: 2 variant alleles.
Comment: GRM7: BP4, BP7